The following is an entry in ClinVar:

ClinVar aggregate classification (germline): Uncertain significance (1 of 4 stars; one submission).

Conditions:
Cardiovascular phenotype. Identifiers: MedGen CN230736.

Allele frequency attached by ClinVar (database versions not stated): TOPMed below 0.00001.

Submission:

Ambry Genetics
Classification: Uncertain significance for Cardiovascular phenotype. Last evaluated: 2023-10-19. Review status: criteria provided, single submitter. Criteria: Ambry Variant Classification Scheme 2023. Collection method: clinical testing. Allele origin: germline.
Comment: The p.S2016I variant (also known as c.6047G>T), located in coding exon 37 of the FLNC gene, results from a G to T substitution at nucleotide position 6047. The serine at codon 2016 is replaced by isoleucine, an amino acid with dissimilar properties. This amino acid position is conserved. In addition, this alteration is predicted to be deleterious by in silico analysis. Since supporting evidence is limited at this time, the clinical significance of this alteration remains unclear.

NM_001458.5(FLNC):c.6047G>T (p.Ser2016Ile)

Genes: FLNC (filamin C; plus strand), FLNC-AS1 (FLNC antisense RNA 1; minus strand). Cytogenetic location: 7q32.1.
Variant type: single nucleotide variant.
Coding change: c.6047G>T on transcript NM_001458.5 (MANE Select); coding-DNA position 6047, G replaced by T.
Protein change: p.Ser2016Ile; replaces serine 2016 with isoleucine.
Molecular consequence: missense variant.
Genome position (GRCh38, 1-based): chr7:128,852,870, G>T. VCF-style: chr7-128852870-G-T. GRCh37 (hg19) VCF-style: chr7-128492924-G-T.
Other names: c.5948G>T, p.Ser1983Ile (NM_001127487.2); short protein forms S1983I, S2016I.
Identifiers: ClinVar variation 3221744 (VCV003221744.1), dbSNP rs1808881327, ClinGen allele CA369211051.